The following is an entry in ClinVar:

ClinVar aggregate classification (germline): Conflicting classifications of pathogenicity. Review status: criteria provided, conflicting classifications (1 of 4 stars). 11 submissions from 11 submitters: Uncertain significance (8); Likely benign (1). 2 of the submissions do not count toward it. Last evaluated 2026-02-23.

Conditions:
Primary familial hypertrophic cardiomyopathy (HCM). Identifiers: Orphanet 99739, MedGen C0949658, MeSH D024741, MONDO:0024573. Inheritance: Various modes of inheritance.
Cardiomyopathy, familial restrictive, 1. Identifiers: Orphanet 75249, MedGen C1861861, MONDO:0007270, OMIM 115210.
MYPN-related myopathy (CMYO24). Also called: Nemaline myopathy 11, autosomal recessive. Identifiers: MedGen C4479186, MONDO:0015023, OMIM 617336.
Dilated cardiomyopathy 1KK (CMD1KK). Identifiers: Orphanet 154, Orphanet 75249, MedGen C3714995, MONDO:0014100, OMIM 615248.
MYPN-related disorder. Also called: MYPN-related condition.
Cardiovascular phenotype. Identifiers: MedGen CN230736.

Allele frequency attached by ClinVar (database versions not stated): gnomAD exomes 0.00011 and 0.00017; gnomAD 0.00014 and 0.00015; ESP Exome Variant Server 0.00015; TOPMed 0.00015; 1000 Genomes Project 30x 0.00016; ExAC 0.00016; 1000 Genomes Project 0.00020.
gnomAD v4.1: 272 of 1,613,984 alleles (0.017%); highest among the groups gnomAD compares: Non-Finnish European, 0.022%; 1 homozygote.

Submissions (11):

PreventionGenetics, part of Exact Sciences
Classification: Uncertain significance for MYPN-related condition. Last evaluated: 2026-02-23. Review status: criteria provided, single submitter. Criteria: ACMG Guidelines, 2015. Collection method: clinical testing. Allele origin: germline.
Comment: The MYPN c.845A>G variant is predicted to result in the amino acid substitution p.Glu282Gly. To our knowledge, this variant has not been reported in the literature. This variant is reported in 0.023% of alleles in individuals of European (Non-Finnish) descent in gnomAD. At this time, the clinical significance of this variant is uncertain due to the absence of conclusive functional and genetic evidence.

GeneDx
Classification: Uncertain significance. Last evaluated: 2026-02-02. Review status: criteria provided, single submitter. Criteria: GeneDx Variant Classification Process June 2021. Collection method: clinical testing. Allele origin: germline. Affected: yes.
Comment: Has not been previously published as pathogenic or benign to our knowledge; In silico analysis supports that this missense variant has a deleterious effect on protein structure/function

Ambry Genetics
Classification: Uncertain significance for Cardiovascular phenotype. Last evaluated: 2025-05-14. Review status: criteria provided, single submitter. Criteria: Ambry Variant Classification Scheme 2023. Collection method: clinical testing. Allele origin: germline.
Comment: The p.E282G variant (also known as c.845A>G), located in coding exon 1 of the MYPN gene, results from an A to G substitution at nucleotide position 845. The glutamic acid at codon 282 is replaced by glycine, an amino acid with similar properties. This amino acid position is highly conserved in available vertebrate species. In addition, this alteration is predicted to be deleterious by in silico analysis. Since supporting evidence is limited at this time, the clinical significance of this alteration remains unclear.

Blueprint Genetics
Classification: Likely benign. Last evaluated: 2024-02-20. Review status: criteria provided, single submitter. Criteria: ACMG Guidelines, 2015. Collection method: clinical testing. Allele origin: germline.

Labcorp Genetics (formerly Invitae), Labcorp
Classification: Uncertain significance for Dilated cardiomyopathy 1KK. Last evaluated: 2022-07-17. Review status: criteria provided, single submitter. Criteria: Invitae Variant Classification Sherloc (09022015). Collection method: clinical testing. Allele origin: germline.
Comment: This sequence change replaces glutamic acid, which is acidic and polar, with glycine, which is neutral and non-polar, at codon 282 of the MYPN protein (p.Glu282Gly). This variant is present in population databases (rs146336815, gnomAD 0.02%). This variant has not been reported in the literature in individuals affected with MYPN-related conditions. ClinVar contains an entry for this variant (Variation ID: 201881). Algorithms developed to predict the effect of missense changes on protein structure and function are either unavailable or do not agree on the potential impact of this missense change (SIFT: "Deleterious"; PolyPhen-2: "Probably Damaging"; Align-GVGD: "Class C15"). In summary, the available evidence is currently insufficient to determine the role of this variant in disease. Therefore, it has been classified as a Variant of Uncertain Significance.

Clinical Genetics Laboratory, Skane University Hospital Lund
Classification: Uncertain significance. Last evaluated: 2022-05-27. Review status: criteria provided, single submitter. Criteria: ACMG Guidelines, 2015. Collection method: clinical testing. Allele origin: germline. Affected: yes.

Department of Pathology and Laboratory Medicine, Sinai Health System
Classification: Uncertain significance for Dilated cardiomyopathy 1KK; MYPN-related myopathy. Last evaluated: 2021-09-28. Review status: criteria provided, single submitter. Criteria: ACMG Guidelines, 2015. Collection method: research. Allele origin: germline.

Fulgent Genetics
Classification: Uncertain significance for Dilated cardiomyopathy 1KK; MYPN-related myopathy. Last evaluated: 2021-08-11. Review status: criteria provided, single submitter. Criteria: ACMG Guidelines, 2015. Collection method: clinical testing. Allele origin: unknown.

CeGaT Center for Human Genetics Tuebingen
Classification: Uncertain significance. Last evaluated: 2019-03-01. Review status: criteria provided, single submitter. Criteria: CeGaT Center For Human Genetics Tuebingen Variant Classification Criteria Version 2. Collection method: clinical testing. Allele origin: germline. Affected: yes. Observed: 1 variant allele.

Joint Genome Diagnostic Labs from Nijmegen and Maastricht, Radboudumc and MUMC+
Classification: Uncertain significance. Review status: no assertion criteria provided. Collection method: clinical testing. Allele origin: germline. Affected: yes. Study: VKGL Data-share Consensus. Not counted in ClinVar's aggregate classification.

Laboratory of Diagnostic Genome Analysis, Leiden University Medical Center (LUMC)
Classification: Uncertain significance. Review status: no assertion criteria provided. Collection method: clinical testing. Allele origin: germline. Affected: yes. Study: VKGL Data-share Consensus. Not counted in ClinVar's aggregate classification.

NM_032578.4(MYPN):c.845A>G (p.Glu282Gly)

Gene: MYPN (myopalladin; plus strand). Cytogenetic location: 10q21.3.
Variant type: single nucleotide variant.
Coding change: c.845A>G on transcript NM_032578.4 (MANE Select); coding-DNA position 845, A replaced by G.
Protein change: p.Glu282Gly; replaces glutamic acid 282 with glycine.
Molecular consequence: missense variant. On other transcripts: 5 prime UTR variant (1), non-coding transcript variant (1).
Genome position (GRCh38, 1-based): chr10:68,122,283, A>G. VCF-style: chr10-68122283-A-G. GRCh37 (hg19) VCF-style: chr10-69882040-A-G.
Other names: p.E282G:GAA>GGA; c.845A>G, p.Glu282Gly (NM_001256267.2); c.-278A>G (NM_001256268.2); c.845A>G (NM_001256267.1); short protein forms E282G.
Identifiers: ClinVar variation 201881 (VCV000201881.64), dbSNP rs146336815, ClinGen allele CA335292.
Genomic context (GRCh38, chr10:68,122,283, plus strand): 5'-AAGAACCTCTGGGGCAACCTCCCCGGTTCACTCAAAAGTTACGGAGCAGAGAAGTTCCAG[A>G]AGGAACTCGAGTACAGTTGGATTGCATAGTGGTAGGAATTCCACCACCTCAAGTAAGGTA-3'
Protein context (NP_115967.2, residues 272-292): TQKLRSREVP[Glu282Gly]GTRVQLDCIV